The following is an entry in ClinVar:

NM_000548.5(TSC2):c.2917G>C (p.Glu973Gln)

Gene: TSC2 (TSC complex subunit 2; plus strand). Cytogenetic location: 16p13.3.
Variant type: single nucleotide variant.
Coding change: c.2917G>C on transcript NM_000548.5 (MANE Select); coding-DNA position 2917, G replaced by C.
Protein change: p.Glu973Gln; replaces glutamic acid 973 with glutamine.
Molecular consequence: missense variant. On other transcripts: intron variant (9).
Genome position (GRCh38, 1-based): chr16:2,077,677, G>C. VCF-style: chr16-2077677-G-C. GRCh37 (hg19) VCF-style: chr16-2127678-G-C.
Other names: c.2917G>C, p.Glu973Gln (NM_001114382.3); c.2837+1092G>C (NM_021055.3, NM_001370405.1, NM_001363528.2 and 2 more transcripts); c.2726+1092G>C (NM_001318827.2); c.2237+1092G>C (NM_001318831.2); c.2690+1092G>C (NM_001318829.2); c.2870+1092G>C (NM_001318832.2); short protein forms E973Q.
Identifiers: ClinVar variation 572645 (VCV000572645.9), dbSNP rs780981335, ClinGen allele CA394281294.

ClinVar aggregate classification (germline): Uncertain significance (1 of 4 stars; one submission).

Conditions:
Tuberous sclerosis 2 (TSC2). Identifiers: Orphanet 805, MedGen C1860707, MONDO:0013199, OMIM 613254.

gnomAD v4.1: 1 of 1,613,058 alleles (0.000062%); highest among the groups gnomAD compares: Non-Finnish European, 0.000085%; no homozygotes.

Submission:

Labcorp Genetics (formerly Invitae), Labcorp
Classification: Uncertain significance for Tuberous sclerosis 2. Last evaluated: 2020-09-17. Review status: criteria provided, single submitter. Criteria: Invitae Variant Classification Sherloc (09022015). Collection method: clinical testing. Allele origin: germline.
Comment: This sequence change replaces glutamic acid with glutamine at codon 973 of the TSC2 protein (p.Glu973Gln). The glutamic acid residue is weakly conserved and there is a small physicochemical difference between glutamic acid and glutamine. In summary, the available evidence is currently insufficient to determine the role of this variant in disease. Therefore, it has been classified as a Variant of Uncertain Significance. Algorithms developed to predict the effect of missense changes on protein structure and function (SIFT, PolyPhen-2, Align-GVGD) all suggest that this variant is likely to be tolerated, but these predictions have not been confirmed by published functional studies and their clinical significance is uncertain. This variant has not been reported in the literature in individuals with TSC2-related disease. This variant is not present in population databases (ExAC no frequency).